The following is an entry in ClinVar:

NM_001035.3(RYR2):c.13127T>C (p.Leu4376Pro)

Genes: RYR2 (ryanodine receptor 2; plus strand), LOC126806068 (BRD4-independent group 4 enhancer GRCh37_chr1:237947411-237948610; plus strand). Cytogenetic location: 1q43.
Variant type: single nucleotide variant.
Coding change: c.13127T>C on transcript NM_001035.3 (MANE Select); coding-DNA position 13127, T replaced by C.
Protein change: p.Leu4376Pro; replaces leucine 4376 with proline.
Molecular consequence: missense variant.
Genome position (GRCh38, 1-based): chr1:237,784,839, T>C. VCF-style: chr1-237784839-T-C. GRCh37 (hg19) VCF-style: chr1-237948139-T-C.
Other names: short protein forms L4376P.
Identifiers: ClinVar variation 2662562 (VCV002662562.2), dbSNP rs2527799890, ClinGen allele CA345415398.

ClinVar aggregate classification (germline): Uncertain significance. Review status: criteria provided, multiple submitters, no conflicts (2 of 4 stars). 2 submissions from 2 submitters: Uncertain significance (2). Last evaluated 2025-05-22.

Conditions:
Catecholaminergic polymorphic ventricular tachycardia 1. Also called: VENTRICULAR TACHYCARDIA, CATECHOLAMINERGIC POLYMORPHIC, 1, WITH OR WITHOUT ATRIAL DYSFUNCTION AND/OR DILATED CARDIOMYOPATHY; VENTRICULAR TACHYCARDIA, STRESS-INDUCED POLYMORPHIC 1; RYR2-Related Catecholaminergic Polymorphic Ventricular Tachycardia. Identifiers: Orphanet 3286, MedGen C1631597, MONDO:0011484, OMIM 604772.

Submissions (2):

Labcorp Genetics (formerly Invitae), Labcorp
Classification: Uncertain significance for Catecholaminergic polymorphic ventricular tachycardia 1. Last evaluated: 2025-05-22. Review status: criteria provided, single submitter. Criteria: Invitae Variant Classification Sherloc (09022015). Collection method: clinical testing. Allele origin: germline.
Comment: This sequence change replaces leucine, which is neutral and non-polar, with proline, which is neutral and non-polar, at codon 4376 of the RYR2 protein (p.Leu4376Pro). This variant is not present in population databases (gnomAD no frequency). This variant has not been reported in the literature in individuals affected with RYR2-related conditions. ClinVar contains an entry for this variant (Variation ID: 2662562). Invitae Evidence Modeling of protein sequence and biophysical properties (such as structural, functional, and spatial information, amino acid conservation, physicochemical variation, residue mobility, and thermodynamic stability) has been performed for this missense variant. However, the output from this modeling did not meet the statistical confidence thresholds required to predict the impact of this variant on RYR2 protein function. In summary, the available evidence is currently insufficient to determine the role of this variant in disease. Therefore, it has been classified as a Variant of Uncertain Significance.

GeneDx
Classification: Uncertain significance. Last evaluated: 2023-04-13. Review status: criteria provided, single submitter. Criteria: GeneDx Variant Classification Process June 2021. Collection method: clinical testing. Allele origin: germline. Affected: yes.
Comment: Not observed at significant frequency in large population cohorts (gnomAD); In silico analysis supports that this missense variant has a deleterious effect on protein structure/function; Has not been previously published as pathogenic or benign to our knowledge; This variant is associated with the following publications: (PMID: 19926015)